The following is an entry in ClinVar:

NM_000372.5(TYR):c.149C>G (p.Ser50Ter)

Gene: TYR (tyrosinase; plus strand). Cytogenetic location: 11q14.3.
Variant type: single nucleotide variant.
Coding change: c.149C>G on transcript NM_000372.5 (MANE Select); coding-DNA position 149, C replaced by G.
Protein change: p.Ser50Ter; replaces serine 50 with a stop codon.
Molecular consequence: nonsense.
Genome position (GRCh38, 1-based): chr11:89,178,102, C>G. VCF-style: chr11-89178102-C-G. GRCh37 (hg19) VCF-style: chr11-88911270-C-G.
Other names: short protein forms S50*.
Identifiers: ClinVar variation 99550 (VCV000099550.3), dbSNP rs61753181, ClinGen allele CA227533.

ClinVar aggregate classification (germline): Pathogenic. Review status: criteria provided, multiple submitters, no conflicts (2 of 4 stars). 3 submissions from 3 submitters: Pathogenic (2). 1 of the submissions does not count toward it. Last evaluated 2026-03-26.

Conditions:
SKIN/HAIR/EYE PIGMENTATION 3, LIGHT/DARK SKIN (SHEP3). Also called: SKIN/HAIR/EYE PIGMENTATION 3, BLUE/GREEN EYE COLOR; SKIN/HAIR/EYE PIGMENTATION 3, FRECKLING; SKIN/HAIR/EYE PIGMENTATION, VARIATION IN, 3; EYE COLOR 1; EYE COLOR, GREEN/BLUE. Identifiers: MedGen C2677190, OMIM 601800.
Oculocutaneous albinism type 1A (OCA1A). Also called: Albinism, oculocutaneous, type IA. Identifiers: Orphanet 352731, Orphanet 79431, MedGen C4551504, MONDO:0008745, OMIM 203100. Disease mechanism: loss of function.
Oculocutaneous albinism type 1B (OCA1B). Also called: YELLOW ALBINISM; ALBINISM, OCULOCUTANEOUS, TYPE IB; ALBINISM, YELLOW MUTANT TYPE. Identifiers: Orphanet 352731, Orphanet 352737, Orphanet 79434, MedGen C1847024, MONDO:0011749, OMIM 606952.
Oculocutaneous albinism type 1. Also called: Albinism 1; ALBINISM I. Identifiers: Orphanet 352731, MedGen C0268494, MONDO:0018135. Disease mechanism: loss of function.

gnomAD v4.1: 1 of 1,614,200 alleles (0.000062%); no homozygotes.

Submissions (3):

Myriad Genetics, Inc.
Classification: Pathogenic for Oculocutaneous albinism type 1. Last evaluated: 2026-03-26. Review status: criteria provided, single submitter. Criteria: Myriad Autosomal Dominant, Autosomal Recessive and X-Linked Classification Criteria (2023). Collection method: clinical testing. Allele origin: unknown.
Comment: NM_000372.4(TYR):c.149C>G(S50*) is a nonsense variant classified as pathogenic in the context of oculocutaneous albinism, TYR-related. S50* has been observed in a case with relevant disease (PMID: 8128955). Relevant functional assessments of this variant are not available in the literature. S50* has not been observed in referenced population frequency databases. In summary, NM_000372.4(TYR):c.149C>G(S50*) is a nonsense variant in a gene where loss of function is a known mechanism of disease, is predicted to disrupt protein function, and has been observed more frequently in cases with the relevant disease than in healthy populations. Please note: this variant was assessed in the context of healthy population screening.

Fulgent Genetics
Classification: Pathogenic for Oculocutaneous albinism type 1A; SKIN/HAIR/EYE PIGMENTATION 3, LIGHT/DARK SKIN; Oculocutaneous albinism type 1B. Last evaluated: 2024-04-19. Review status: criteria provided, single submitter. Criteria: ACMG Guidelines, 2015. Collection method: clinical testing. Allele origin: germline.

Retina International
No classification provided. Review status: no classification provided. Collection method: not provided. Allele origin: not provided. Not counted in ClinVar's aggregate classification.

Literature cited by the submitters: PubMed 8128955 (cited by Myriad Genetics, Inc.).